The following is an entry in ClinVar:

NM_144631.6(ZNF513):c.269G>C (p.Gly90Ala)

Gene: ZNF513 (zinc finger protein 513; minus strand). Cytogenetic location: 2p23.3.
Variant type: single nucleotide variant.
Coding change: c.269G>C on transcript NM_144631.6 (MANE Select); coding-DNA position 269, G replaced by C.
Protein change: p.Gly90Ala; replaces glycine 90 with alanine.
Molecular consequence: missense variant.
Genome position (GRCh38, 1-based): chr2:27,378,997, C>G on the plus strand (G>C on the coding strand, the complement: ZNF513 is on the minus strand). VCF-style: chr2-27378997-C-G. GRCh37 (hg19) VCF-style: chr2-27601864-C-G.
Other names: c.269G>C (NM_144631.5); c.83G>C, p.Gly28Ala (NM_001201459.2); short protein forms G28A, G90A.
Identifiers: ClinVar variation 1039989 (VCV001039989.9), dbSNP rs748151585, ClinGen allele CA44529694.

ClinVar aggregate classification (germline): Uncertain significance. Review status: criteria provided, multiple submitters, no conflicts (2 of 4 stars). 2 submissions from 2 submitters: Uncertain significance (2). Last evaluated 2024-04-30.

Allele frequency attached by ClinVar (database versions not stated): gnomAD 0.00001; TOPMed 0.00001.

Submissions (2):

Ambry Genetics
Classification: Uncertain significance. Last evaluated: 2024-04-30. Review status: criteria provided, single submitter. Criteria: Ambry Variant Classification Scheme 2023. Collection method: clinical testing. Allele origin: germline.

Labcorp Genetics (formerly Invitae), Labcorp
Classification: Uncertain significance. Last evaluated: 2020-05-20. Review status: criteria provided, single submitter. Criteria: Invitae Variant Classification Sherloc (09022015). Collection method: clinical testing. Allele origin: germline.
Comment: In summary, the available evidence is currently insufficient to determine the role of this variant in disease. Therefore, it has been classified as a Variant of Uncertain Significance. Algorithms developed to predict the effect of missense changes on protein structure and function (SIFT, PolyPhen-2, Align-GVGD) all suggest that this variant is likely to be disruptive, but these predictions have not been confirmed by published functional studies and their clinical significance is uncertain. This variant has not been reported in the literature in individuals with ZNF513-related conditions. This variant is not present in population databases (ExAC no frequency). This sequence change replaces glycine with alanine at codon 90 of the ZNF513 protein (p.Gly90Ala). The glycine residue is highly conserved and there is a small physicochemical difference between glycine and alanine.